The following is an entry in ClinVar:

ClinVar aggregate classification (germline): Uncertain significance (1 of 4 stars; one submission).

Conditions:
Catecholaminergic polymorphic ventricular tachycardia 1. Also called: RYR2-Related Catecholaminergic Polymorphic Ventricular Tachycardia; VENTRICULAR TACHYCARDIA, CATECHOLAMINERGIC POLYMORPHIC, 1, WITH OR WITHOUT ATRIAL DYSFUNCTION AND/OR DILATED CARDIOMYOPATHY; VENTRICULAR TACHYCARDIA, STRESS-INDUCED POLYMORPHIC 1. Identifiers: Orphanet 3286, MedGen C1631597, MONDO:0011484, OMIM 604772.

gnomAD v4.1: 4 of 1,597,350 alleles (0.00025%); highest among the groups gnomAD compares: Non-Finnish European, 0.00034%; no homozygotes.

Submission:

Labcorp Genetics (formerly Invitae), Labcorp
Classification: Uncertain significance for Catecholaminergic polymorphic ventricular tachycardia 1. Last evaluated: 2023-05-19. Review status: criteria provided, single submitter. Criteria: Invitae Variant Classification Sherloc (09022015). Collection method: clinical testing. Allele origin: germline.
Comment: This sequence change replaces asparagine, which is neutral and polar, with aspartic acid, which is acidic and polar, at codon 1974 of the RYR2 protein (p.Asn1974Asp). This variant is not present in population databases (gnomAD no frequency). This variant has not been reported in the literature in individuals affected with RYR2-related conditions. Advanced modeling of protein sequence and biophysical properties (such as structural, functional, and spatial information, amino acid conservation, physicochemical variation, residue mobility, and thermodynamic stability) performed at Invitae indicates that this missense variant is not expected to disrupt RYR2 protein function. In summary, the available evidence is currently insufficient to determine the role of this variant in disease. Therefore, it has been classified as a Variant of Uncertain Significance.

NM_001035.3(RYR2):c.5920A>G (p.Asn1974Asp)

Gene: RYR2 (ryanodine receptor 2; plus strand). Cytogenetic location: 1q43.
Variant type: single nucleotide variant.
Coding change: c.5920A>G on transcript NM_001035.3 (MANE Select); coding-DNA position 5920, A replaced by G.
Protein change: p.Asn1974Asp; replaces asparagine 1974 with aspartic acid.
Molecular consequence: missense variant.
Genome position (GRCh38, 1-based): chr1:237,623,768, A>G. VCF-style: chr1-237623768-A-G. GRCh37 (hg19) VCF-style: chr1-237787068-A-G.
Other names: short protein forms N1974D.
Identifiers: ClinVar variation 2889389 (VCV002889389.3), dbSNP rs1450235463, ClinGen allele CA345408081.